The following is an entry in ClinVar:

NM_014855.3(AP5Z1):c.49C>T (p.Gln17Ter)

Gene: AP5Z1 (adaptor related protein complex 5 subunit zeta 1; plus strand). Cytogenetic location: 7p22.1.
Variant type: single nucleotide variant.
Coding change: c.49C>T on transcript NM_014855.3 (MANE Select); coding-DNA position 49, C replaced by T.
Protein change: p.Gln17Ter; replaces glutamine 17 with a stop codon.
Molecular consequence: nonsense. On other transcripts: 5 prime UTR variant (1), non-coding transcript variant (1).
Genome position (GRCh38, 1-based): chr7:4,781,182, C>T. VCF-style: chr7-4781182-C-T. GRCh37 (hg19) VCF-style: chr7-4820813-C-T.
Other names: c.-233C>T (NM_001364858.1); short protein forms Q17*.
Identifiers: ClinVar variation 1458218 (VCV001458218.7), dbSNP rs765332596, ClinGen allele CA4137024.

ClinVar aggregate classification (germline): Pathogenic/Likely pathogenic. Review status: criteria provided, multiple submitters, no conflicts (2 of 4 stars). 2 submissions from 2 submitters: Pathogenic (1); Likely pathogenic (1). Last evaluated 2024-12-26.

Conditions:
AP5Z1-related disorder. Also called: AP5Z1-related condition.
Hereditary spastic paraplegia 48. Also called: Spastic paraplegia 48; SPASTIC PARAPLEGIA 48, AUTOSOMAL RECESSIVE. Identifiers: Orphanet 306511, MedGen C3150901, MONDO:0013342, OMIM 613647.

Allele frequency attached by ClinVar (database versions not stated): TOPMed below 0.00001; ExAC 0.00001; gnomAD 0.00001; gnomAD exomes 0.00001.

Submissions (2):

Labcorp Genetics (formerly Invitae), Labcorp
Classification: Pathogenic for Hereditary spastic paraplegia 48. Last evaluated: 2024-12-26. Review status: criteria provided, single submitter. Criteria: Invitae Variant Classification Sherloc (09022015). Collection method: clinical testing. Allele origin: germline.
Comment: This sequence change creates a premature translational stop signal (p.Gln17*) in the AP5Z1 gene. It is expected to result in an absent or disrupted protein product. Loss-of-function variants in AP5Z1 are known to be pathogenic (PMID: 20613862, 27606357). This variant is present in population databases (rs765332596, gnomAD 0.002%). This variant has not been reported in the literature in individuals affected with AP5Z1-related conditions. ClinVar contains an entry for this variant (Variation ID: 1458218). For these reasons, this variant has been classified as Pathogenic.

Blueprint Genetics
Classification: Likely pathogenic for AP5Z1-related disorders. Last evaluated: 2023-12-20. Review status: criteria provided, single submitter. Criteria: ACMG Guidelines, 2015. Collection method: clinical testing. Allele origin: germline. Affected: yes. Observed: 3 variant alleles.

Literature cited by the submitters: PubMed 20613862 (cited by Labcorp Genetics (formerly Invitae), Labcorp); PubMed 27606357 (cited by Labcorp Genetics (formerly Invitae), Labcorp).